The following is an entry in ClinVar:

ClinVar aggregate classification (germline): Likely benign (1 of 4 stars; one submission).

Allele frequency attached by ClinVar (database versions not stated): TOPMed 0.02631; 1000 Genomes Project 30x 0.02717; 1000 Genomes Project 0.02796.
gnomAD v4.1: 4,142 of 152,116 alleles (2.7%); highest among the groups gnomAD compares: Middle Eastern, 8.8%; 74 homozygotes.

Submission:

GeneDx
Classification: Likely benign. Last evaluated: 2018-06-14. Review status: criteria provided, single submitter. Criteria: GeneDx Variant Classification (06012015). Collection method: clinical testing. Allele origin: germline. Affected: yes.
Comment: This variant is considered likely benign or benign based on one or more of the following criteria: it is a conservative change, it occurs at a poorly conserved position in the protein, it is predicted to be benign by multiple in silico algorithms, and/or has population frequency not consistent with disease.

NM_014844.5(TECPR2):c.2934-154C>T

Gene: TECPR2 (tectonin beta-propeller repeat containing 2; plus strand). Cytogenetic location: 14q32.31.
Variant type: single nucleotide variant.
Coding change: c.2934-154C>T on transcript NM_014844.5 (MANE Select); 154 bases into the intron before coding-DNA position 2934, C replaced by T.
Molecular consequence: intron variant.
Genome position (GRCh38, 1-based): chr14:102,445,652, C>T. VCF-style: chr14-102445652-C-T. GRCh37 (hg19) VCF-style: chr14-102911989-C-T.
Other names: c.2934-154C>T (NM_001172631.3).
Identifiers: ClinVar variation 672798 (VCV000672798.1), dbSNP rs2273909, ClinGen allele CA267068374.
Genomic context (GRCh38, chr14:102,445,652, plus strand): 5'-GTCTTTCAAAAGCTGCCACCCACTTGAACCATATCTCTTGCACAGTAATTTAACTCAGAC[C>T]CAAACTTCCTTCCCTGGCACCTGCTGATCCGCTCCAGGGCCACGTCTCTTCTCCCAGCCA-3'